The following continues an entry in ClinVar:

NM_000051.4(ATM):c.8734A>G (p.Arg2912Gly)

ClinVar aggregate classification (germline): Uncertain significance. Uncertain significance (1).

Submission 35 of 35:

Department of Pathology and Laboratory Medicine, Sinai Health System
Classification: Likely benign for Malignant tumor of breast. Review status: no assertion criteria provided. Collection method: clinical testing. Allele origin: unknown. Affected: yes. Study: The Canadian Open Genetics Repository (COGR). Not counted in ClinVar's aggregate classification.
Comment: The ATM p.Arg2912Gly variant was identified in 7 of 8092 proband chromosomes (frequency: 0.0009) from Finnish (BRCA1/2 negative), Austrian, and American individuals or families with HBOC or breast cancer and was not identified in 7520 control chromosomes from healthy and unselected individuals (Tung 2016, Thorstenson 2003, Teraoka 2001, Pylkas 2007). In one study, 1 affected individual had the variant cooccurring with a pathogenic BRCA1 mutation (185delAG, 39stop) (Thorstenson 2003). In another study, segregation of the variant with cancer was not shown as several unaffected carriers occurred in the families of both positive cases (Pylkas 2007). Additionally, functional assays using LCL (lymphblastoid cell lines) demonstrated the variant to have similar protein expression levels to wildtype, and a partial defect in the phosphorylation of ATM substrates (Pylkas 2007). The variant was also identified in dbSNP (ID: rs376676328) â€šÃ„ÃºWith Uncertain significance alleleâ€šÃ„Ã¹, ClinVar (classified as uncertain significance; submitters: Invitae, Ambry Genetics, GeneDx, Color Genomics; and classification not provided by ITMI), Clinvitae (3x), and in control databases in 61 (1 homozygous) of 277204 chromosomes at a frequency of 0.0002 increasing the likelihood that this may be a low frequency benign variant in certain populations of origin (Genome Aggregation Consortium Feb 27, 2017), being identified in the following populations: Other in 1 of 6466 chromosomes (frequency: 0.0002), Latino in 1 of 34420 chromosomes (frequency: 0.00003), European Non-Finnish in 53 (1 homozygous) of 126696 chromosomes (frequency: 0.0004), Ashkenazi Jewish in 4 of 10150 chromosomes (frequency: 0.0004), European Finnish in 1 of 25794 chromosomes (frequency: 0.00004), and South Asian in 1 of 30782 chromosomes (frequency: 0.00003). The variant was not identified in Cosmic, MutDB, LOVD 3.0, ATM-LOVD, and GeneInsight â€šÃ„Ã¬ COGR (unavailable). The p.Arg2912 residue is conserved across mammals and other organisms, and computational analyses (PolyPhen-2, SIFT, AlignGVGD, BLOSUM, MutationTaster) suggest that the variant may impact the protein; however, this information is not predictive enough to assume pathogenicity. The variant occurs outside of the splicing consensus sequence and in silico or computational prediction software programs (SpliceSiteFinder, MaxEntScan, NNSPLICE, GeneSplicer, HumanSpliceFinder) do not predict a difference in splicing. In summary, based on the above information the clinical significance of this variant cannot be determined with certainty at this time although we would lean towards a more benign role for this variant. This variant is classified as likely benign.

Literature cited by the submitters: PubMed 12810666 (cited by 6 submitters); PubMed 25452441 (cited by 6 submitters); PubMed 11505391 (cited by 7 submitters); PubMed 21787400 (cited by 7 submitters); PubMed 12673797 (cited by 6 submitters); PubMed 27443514 (cited by 7 submitters); PubMed 28828701 (cited by 7 submitters); PubMed 29945567 (cited by 6 submitters); PubMed 31159747 (cited by Women's Health and Genetics/Laboratory Corporation of America, LabCorp and Quest Diagnostics Nichols Institute San Juan Capistrano); PubMed 17166884 (cited by 7 submitters); PubMed 32183364 (cited by 6 submitters); PubMed 30613976 (cited by Women's Health and Genetics/Laboratory Corporation of America, LabCorp and Ambry Genetics); PubMed 31882575 (cited by 4 submitters); PubMed 33280026 (cited by Women's Health and Genetics/Laboratory Corporation of America, LabCorp and Quest Diagnostics Nichols Institute San Juan Capistrano); PubMed 33471991 (cited by 4 submitters); PubMed 33436325 (cited by 4 submitters); PubMed 34573280 (cited by Women's Health and Genetics/Laboratory Corporation of America, LabCorp); PubMed 34761457 (cited by Women's Health and Genetics/Laboratory Corporation of America, LabCorp and Quest Diagnostics Nichols Institute San Juan Capistrano); PubMed 35365198 (cited by 3 submitters); PubMed 36155879 (cited by Women's Health and Genetics/Laboratory Corporation of America, LabCorp); PubMed 37262986 (cited by Women's Health and Genetics/Laboratory Corporation of America, LabCorp); PubMed 36672364 (cited by Women's Health and Genetics/Laboratory Corporation of America, LabCorp); PubMed 37463056 (cited by Women's Health and Genetics/Laboratory Corporation of America, LabCorp); PubMed 37791908 (cited by Women's Health and Genetics/Laboratory Corporation of America, LabCorp); PubMed 39122510 (cited by Women's Health and Genetics/Laboratory Corporation of America, LabCorp and Color Diagnostics, LLC DBA Color Health); PubMed 36983044 (cited by Women's Health and Genetics/Laboratory Corporation of America, LabCorp and Labcorp Genetics (formerly Invitae), Labcorp); PubMed 40275070 (cited by Women's Health and Genetics/Laboratory Corporation of America, LabCorp); PubMed 38734904 (cited by Women's Health and Genetics/Laboratory Corporation of America, LabCorp and Color Diagnostics, LLC DBA Color Health); PubMed 38806232 (cited by Women's Health and Genetics/Laboratory Corporation of America, LabCorp); PubMed 28093616 (cited by Labcorp Genetics (formerly Invitae), Labcorp and Ambry Genetics); PubMed 30814645 (cited by 4 submitters); PubMed 34262154 (cited by Labcorp Genetics (formerly Invitae), Labcorp); PubMed 35047863 (cited by Labcorp Genetics (formerly Invitae), Labcorp); PubMed 35534704 (cited by Labcorp Genetics (formerly Invitae), Labcorp); PubMed 24728327 (cited by 5 submitters); PubMed 26483394 (cited by Color Diagnostics, LLC DBA Color Health and Mayo Clinic Laboratories, Mayo Clinic); PubMed 26976419 (cited by 5 submitters); PubMed 28135145 (cited by Color Diagnostics, LLC DBA Color Health); PubMed 28652578 (cited by Color Diagnostics, LLC DBA Color Health and Ambry Genetics); PubMed 28779002 (cited by 4 submitters); PubMed 35029067 (cited by Color Diagnostics, LLC DBA Color Health); PubMed 35886069 (cited by Color Diagnostics, LLC DBA Color Health and Quest Diagnostics Nichols Institute San Juan Capistrano); PubMed 36555667 (cited by Color Diagnostics, LLC DBA Color Health and Quest Diagnostics Nichols Institute San Juan Capistrano); PubMed 19781682 (cited by 5 submitters); PubMed 25085752 (cited by Myriad Genetics, Inc.); PubMed 20346647 (cited by Quest Diagnostics Nichols Institute San Juan Capistrano and Athena Diagnostics); PubMed 30197789 (cited by Quest Diagnostics Nichols Institute San Juan Capistrano and Athena Diagnostics); PubMed 29922827 (cited by Ambry Genetics).